The following is an entry in ClinVar:

NM_000038.6(APC):c.8279C>G (p.Thr2760Ser)

Gene: APC (APC regulator of Wnt signaling pathway; plus strand). Cytogenetic location: 5q22.2.
Variant type: single nucleotide variant.
Coding change: c.8279C>G on transcript NM_000038.6 (MANE Select); coding-DNA position 8279, C replaced by G.
Protein change: p.Thr2760Ser; replaces threonine 2760 with serine.
Molecular consequence: missense variant. On other transcripts: non-coding transcript variant (2).
Genome position (GRCh38, 1-based): chr5:112,843,873, C>G. VCF-style: chr5-112843873-C-G. GRCh37 (hg19) VCF-style: chr5-112179570-C-G.
Other names: c.8279C>G, p.Thr2760Ser (NM_001127510.3, NM_001354895.2, NM_001407450.1); c.8225C>G, p.Thr2742Ser (NM_001127511.3); c.8333C>G, p.Thr2778Ser (NM_001354896.2, NM_001407447.1, NM_001407448.1 and 1 more transcripts); c.8309C>G, p.Thr2770Ser (NM_001354897.2); c.8204C>G, p.Thr2735Ser (NM_001354898.2); c.8195C>G, p.Thr2732Ser (NM_001354899.2); c.8156C>G, p.Thr2719Ser (NM_001354900.2); c.8102C>G, p.Thr2701Ser (NM_001354901.2, NM_001407453.1); and 11 more; short protein forms T2631S, T2760S, T2770S, T2788S, T2634S, T2677S, T2735S, T2477S.
Identifiers: ClinVar variation 2699461 (VCV002699461.3), dbSNP rs2150002451, ClinGen allele CA16039295.
Genomic context (GRCh38, chr5:112,843,873, plus strand): 5'-CAGGACAAAATAATCCTGTCCCTGTATCAGAGACTAATGAAAGTTCTATAGTGGAACGTA[C>G]CCCATTCAGTTCTAGCAGCTCAAGCAAACACAGTTCACCTAGTGGGACTGTTGCTGCCAG-3'
Protein context (NP_000029.2, residues 2750-2770): ETNESSIVER[Thr2760Ser]PFSSSSSSKH

ClinVar aggregate classification (germline): Uncertain significance (1 of 4 stars; one submission).

Conditions:
Familial adenomatous polyposis 1 (FAP1). Also called: FAMILIAL ADENOMATOUS POLYPOSIS 1, ATTENUATED; POLYPOSIS, ADENOMATOUS INTESTINAL. Identifiers: MedGen C2713442, MONDO:0021056, OMIM 175100. Disease mechanism: loss of function.

Submission:

Labcorp Genetics (formerly Invitae), Labcorp
Classification: Uncertain significance for Familial adenomatous polyposis 1. Last evaluated: 2023-06-09. Review status: criteria provided, single submitter. Criteria: Invitae Variant Classification Sherloc (09022015). Collection method: clinical testing. Allele origin: germline.
Comment: In summary, the available evidence is currently insufficient to determine the role of this variant in disease. Therefore, it has been classified as a Variant of Uncertain Significance. Advanced modeling of protein sequence and biophysical properties (such as structural, functional, and spatial information, amino acid conservation, physicochemical variation, residue mobility, and thermodynamic stability) performed at Invitae indicates that this missense variant is not expected to disrupt APC protein function. This variant has not been reported in the literature in individuals affected with APC-related conditions. This variant is not present in population databases (gnomAD no frequency). This sequence change replaces threonine, which is neutral and polar, with serine, which is neutral and polar, at codon 2760 of the APC protein (p.Thr2760Ser).